The following is an entry in ClinVar:

NM_000218.3(KCNQ1):c.1393+29750T>G

Genes: KCNQ1 (potassium voltage-gated channel subfamily Q member 1; plus strand), KCNQ1OT1 (KCNQ1 opposite strand/antisense transcript 1; minus strand). Cytogenetic location: 11p15.5.
Variant type: single nucleotide variant.
Coding change: c.1393+29750T>G on transcript NM_000218.3 (MANE Select); 29750 bases into the intron after coding-DNA position 1393, T replaced by G.
Molecular consequence: intron variant.
Genome position (GRCh38, 1-based): chr11:2,618,604, T>G. VCF-style: chr11-2618604-T-G. GRCh37 (hg19) VCF-style: chr11-2639834-T-G.
Other names: c.1123+29750T>G (NM_001406837.1); c.1297+29750T>G (NM_001406836.1); c.853+29750T>G (NM_001406838.1); c.1012+29750T>G (NM_181798.2).
Identifiers: ClinVar variation 1879162 (VCV001879162.30), dbSNP rs28757318, ClinGen allele CA216361205.

ClinVar aggregate classification (germline): Likely benign. Review status: criteria provided, multiple submitters, no conflicts (2 of 4 stars). 2 submissions from 2 submitters: Likely benign (2). Last evaluated 2026-09-01.

Allele frequency attached by ClinVar (database versions not stated): 1000 Genomes Project 30x 0.00265; 1000 Genomes Project 0.00300; TOPMed 0.00530; gnomAD 0.00563; gnomAD exomes 0.00710.
gnomAD v4.1: 2,595 of 398,608 alleles (0.65%); highest among the groups gnomAD compares: Non-Finnish European, 0.93%; 9 homozygotes.

Submissions (2):

CeGaT Center for Human Genetics Tuebingen
Classification: Likely benign. Last evaluated: 2026-09-01. Review status: criteria provided, single submitter. Criteria: CeGaT Center For Human Genetics Tuebingen Variant Classification Criteria Version 2. Collection method: clinical testing. Allele origin: germline. Affected: yes. Observed: 71 variant alleles.
Comment: KCNQ1OT1: BS2

Blueprint Genetics
Classification: Likely benign. Last evaluated: 2024-11-27. Review status: criteria provided, single submitter. Criteria: ACMG Guidelines, 2015. Collection method: clinical testing. Allele origin: germline.